The following is an entry in ClinVar:

NM_024642.5(GALNT12):c.1123A>G (p.Lys375Glu)

Gene: GALNT12 (polypeptide N-acetylgalactosaminyltransferase 12; plus strand). Cytogenetic location: 9q22.33.
Variant type: single nucleotide variant.
Coding change: c.1123A>G on transcript NM_024642.5 (MANE Select); coding-DNA position 1123, A replaced by G.
Protein change: p.Lys375Glu; replaces lysine 375 with glutamic acid.
Molecular consequence: missense variant.
Genome position (GRCh38, 1-based): chr9:98,837,059, A>G. VCF-style: chr9-98837059-A-G. GRCh37 (hg19) VCF-style: chr9-101599341-A-G.
Other names: short protein forms K375E.
Identifiers: ClinVar variation 3227900 (VCV003227900.1), dbSNP rs2490533147, ClinGen allele CA374219841.

ClinVar aggregate classification (germline): Uncertain significance (1 of 4 stars; one submission).

Submission:

Ambry Genetics
Classification: Uncertain significance. Last evaluated: 2024-02-10. Review status: criteria provided, single submitter. Criteria: Ambry Variant Classification Scheme 2023. Collection method: clinical testing. Allele origin: germline.
Comment: The p.K375E variant (also known as c.1123A>G), located in coding exon 6 of the GALNT12 gene, results from an A to G substitution at nucleotide position 1123. The lysine at codon 375 is replaced by glutamic acid, an amino acid with similar properties. This amino acid position is conserved. In addition, the in silico prediction for this alteration is inconclusive. Based on the available evidence, the clinical significance of this alteration remains unclear.